The following is an entry in ClinVar:

NM_001130144.3(LTBP3):c.2186C>T (p.Ala729Val)

Genes: LTBP3 (latent transforming growth factor beta binding protein 3; minus strand), LOC130006030 (ATAC-STARR-seq lymphoblastoid silent region 3533; plus strand). Cytogenetic location: 11q13.1.
Variant type: single nucleotide variant.
Coding change: c.2186C>T on transcript NM_001130144.3 (MANE Select); coding-DNA position 2186, C replaced by T.
Protein change: p.Ala729Val; replaces alanine 729 with valine.
Molecular consequence: missense variant.
Genome position (GRCh38, 1-based): chr11:65,546,842, G>A on the plus strand (C>T on the coding strand, the complement: LTBP3 is on the minus strand). VCF-style: chr11-65546842-G-A. GRCh37 (hg19) VCF-style: chr11-65314313-G-A.
Other names: c.1835C>T, p.Ala612Val (NM_001164266.1); c.2186C>T, p.Ala729Val (NM_021070.4); short protein forms A612V, A729V.
Identifiers: ClinVar variation 1787336 (VCV001787336.7), dbSNP rs754798784, ClinGen allele CA6100720.
Genomic context (GRCh38, chr11:65,546,842, plus strand): 5'-CGGGCCCCGCCCTCACCGCGACAGGCCCCGCCCCCCTGGCTGCGGTAGCCAGGCTGACAG[G>A]CGATGCACTTGAAGCTCCCGGGCTTGTTCTCGCATTTGCCATCCGGGCAAGAGCTTGGGT-3'
Protein context (NP_001123616.1, residues 719-739): ENKPGSFKCI[Ala729Val]CQPGYRSQGG

ClinVar aggregate classification (germline): Uncertain significance. Review status: criteria provided, multiple submitters, no conflicts (2 of 4 stars). 2 submissions from 2 submitters: Uncertain significance (2). Last evaluated 2025-04-17.

Conditions:
Inborn genetic diseases. Identifiers: MedGen C0950123, MeSH D030342.
Brachyolmia-amelogenesis imperfecta syndrome. Also called: PLATYSPONDYLY WITH AMELOGENESIS IMPERFECTA; Tooth agenesis, selective, 6; Dental anomalies and short stature. Identifiers: Orphanet 2899, MedGen C1832594, MONDO:0011018, OMIM 601216. Disease mechanism: loss of function.

Allele frequency attached by ClinVar (database versions not stated): ExAC 0.00001; gnomAD exomes 0.00001; TOPMed 0.00001.
gnomAD v4.1: 16 of 1,610,682 alleles (0.00099%); highest among the groups gnomAD compares: Admixed American, 0.005%; no homozygotes.

Submissions (2):

Labcorp Genetics (formerly Invitae), Labcorp
Classification: Uncertain significance for Brachyolmia-amelogenesis imperfecta syndrome. Last evaluated: 2025-04-17. Review status: criteria provided, single submitter. Criteria: Invitae Variant Classification Sherloc (09022015). Collection method: clinical testing. Allele origin: germline.
Comment: This sequence change replaces alanine, which is neutral and non-polar, with valine, which is neutral and non-polar, at codon 729 of the LTBP3 protein (p.Ala729Val). This variant is present in population databases (rs754798784, gnomAD 0.009%). This variant has not been reported in the literature in individuals affected with LTBP3-related conditions. ClinVar contains an entry for this variant (Variation ID: 1787336). An algorithm developed to predict the effect of missense changes on protein structure and function (PolyPhen-2) suggests that this variant is likely to be tolerated. In summary, the available evidence is currently insufficient to determine the role of this variant in disease. Therefore, it has been classified as a Variant of Uncertain Significance.

Ambry Genetics
Classification: Uncertain significance for Inborn genetic diseases. Last evaluated: 2021-10-29. Review status: criteria provided, single submitter. Criteria: Ambry Variant Classification Scheme 2023. Collection method: clinical testing. Allele origin: germline.
Comment: The p.A729V variant (also known as c.2186C>T), located in coding exon 15 of the LTBP3 gene, results from a C to T substitution at nucleotide position 2186. The alanine at codon 729 is replaced by valine, an amino acid with similar properties. This amino acid position is conserved. In addition, this alteration is predicted to be tolerated by in silico analysis. Since supporting evidence is limited at this time, the clinical significance of this alteration remains unclear.